The following is an entry in ClinVar:

ClinVar aggregate classification (germline): Uncertain significance. Review status: criteria provided, multiple submitters, no conflicts (2 of 4 stars). 2 submissions from 2 submitters: Uncertain significance (2). Last evaluated 2022-01-06.

Conditions:
Multiple congenital anomalies-hypotonia-seizures syndrome 2 (MCAHS2). Also called: EPILEPTIC ENCEPHALOPATHY, EARLY INFANTILE, 20; GLYCOSYLPHOSPHATIDYLINOSITOL BIOSYNTHESIS DEFECT 4. Identifiers: Orphanet 300496, MedGen C3275508, MONDO:0010466, OMIM 300868.

Submissions (2):

Labcorp Genetics (formerly Invitae), Labcorp
Classification: Uncertain significance for Multiple congenital anomalies-hypotonia-seizures syndrome 2. Last evaluated: 2022-01-06. Review status: criteria provided, single submitter. Criteria: Invitae Variant Classification Sherloc (09022015). Collection method: clinical testing. Allele origin: germline.
Comment: In summary, the available evidence is currently insufficient to determine the role of this variant in disease. Therefore, it has been classified as a Variant of Uncertain Significance. Algorithms developed to predict the effect of missense changes on protein structure and function are either unavailable or do not agree on the potential impact of this missense change (SIFT: "Deleterious"; PolyPhen-2: "Benign"; Align-GVGD: "Class C0"). ClinVar contains an entry for this variant (Variation ID: 539320). This variant has not been reported in the literature in individuals affected with PIGA-related conditions. This variant is not present in population databases (gnomAD no frequency). This sequence change replaces alanine, which is neutral and non-polar, with threonine, which is neutral and polar, at codon 457 of the PIGA protein (p.Ala457Thr).

New York Genome Center
Classification: Uncertain significance for Multiple congenital anomalies-hypotonia-seizures syndrome 2. Last evaluated: 2019-10-11. Review status: criteria provided, single submitter. Criteria: NYGC Assertion Criteria 2020. Collection method: clinical testing. Allele origin: maternal. Inheritance: X-linked inheritance. Observed: 1 hemizygote. Study: CSER-NYCKidSeq.
Comment: The hemizygous p.Ala457Thr variant identified in the PIGA gene has not been reported in the medical literature and it is absent from gnomAD database. In silico prediction tools show conflicting predictions about its pathogenicity. Based on the available evidence, the p.Ala457Thr variant in the PIGA gene is assessed as variant of uncertain significance.

NM_002641.4(PIGA):c.1369G>A (p.Ala457Thr)

Gene: PIGA (phosphatidylinositol glycan anchor biosynthesis class A; minus strand). Cytogenetic location: Xp22.2.
Variant type: single nucleotide variant.
Coding change: c.1369G>A on transcript NM_002641.4 (MANE Select); coding-DNA position 1369, G replaced by A.
Protein change: p.Ala457Thr; replaces alanine 457 with threonine.
Molecular consequence: missense variant. On other transcripts: non-coding transcript variant (2).
Genome position (GRCh38, 1-based): chrX:15,321,592, C>T on the plus strand (G>A on the coding strand, the complement: PIGA is on the minus strand). VCF-style: chrX-15321592-C-T. GRCh37 (hg19) VCF-style: chrX-15339714-C-T.
Other names: c.667G>A, p.Ala223Thr (NM_020473.3); short protein forms A457T, A223T.
Identifiers: ClinVar variation 539320 (VCV000539320.12), dbSNP rs1440750558, ClinGen allele CA412333912.